The following is an entry in ClinVar:

NM_001243133.2(NLRP3):c.2322-37_2322-36insTCTGAGGCCTTCTCTATTCCAGAGCTCTCTGGTCAGATGT

Gene: NLRP3 (NLR family pyrin domain containing 3; plus strand). Cytogenetic location: 1q44.
Variant type: Insertion.
Coding change: c.2322-37_2322-36insTCTGAGGCCTTCTCTATTCCAGAGCTCTCTGGTCAGATGT on transcript NM_001243133.2 (MANE Select); 37 bases into the intron before coding-DNA position 2322 through 36 bases into the intron before coding-DNA position 2322, TCTGAGGCCTTCTCTATTCCAGAGCTCTCTGGTCAGATGT inserted.
Molecular consequence: intron variant.
Genome position: GRCh38: chr1:247,434,066-247,434,067. GRCh37 (hg19): chr1:247,597,368-247,597,369.
Other names: c.2328-37_2328-36insTCTGAGGCCTTCTCTATTCCAGAGCTCTCTGGTCAGATGT (NM_004895.5); c.2322-37_2322-36insTCTGAGGCCTTCTCTATTCCAGAGCTCTCTGGTCAGATGT (NM_001127461.3, NM_001079821.3); c.2151-37_2151-36insTCTGAGGCCTTCTCTATTCCAGAGCTCTCTGGTCAGATGT (NM_001127462.3, NM_183395.3).
Identifiers: ClinVar variation 2628178 (VCV002628178.2), dbSNP rs539490854, ClinGen allele CA530381676.

ClinVar aggregate classification (germline): Benign (1 of 4 stars; one submission).

Submission:

Unidad de Genómica Garrahan, Hospital de Pediatría Garrahan
Classification: Benign. Last evaluated: 2023-11-12. Review status: criteria provided, single submitter. Criteria: ACMG Guidelines, 2015. Collection method: clinical testing. Allele origin: germline. Affected: no. Observed: 48 variant alleles.
Comment: This variant is classified as Benign based on local population frequency. This variant was detected in 50% of patients studied by a panel of primary immunodeficiencies. Number of patients: 48. Only high quality variants are reported.